The following is an entry in ClinVar:

ClinVar aggregate classification (germline): Uncertain significance. Review status: criteria provided, multiple submitters, no conflicts (2 of 4 stars). 2 submissions from 2 submitters: Uncertain significance (2). Last evaluated 2023-05-04.

Conditions:
Arrhythmogenic right ventricular cardiomyopathy (ARVD). Also called: Cardiomyopathy, ARVC; Arrhythmogenic cardiomyopathy; Arrhythmogenic Right Ventricular Cardiomyopathy (ARVC); Arrhythmogenic right ventricular dysplasia. Identifiers: Orphanet 247, MedGen C0349788, MeSH D019571, MONDO:0016587. Disease mechanism: loss of function. Inheritance: Various modes of inheritance.
Arrhythmogenic right ventricular dysplasia 9 (ARVD9). Also called: ARRHYTHMOGENIC RIGHT VENTRICULAR DYSPLASIA, FAMILIAL, 9; Arrhythmogenic Right Ventricular Dysplasia/Cardiomyopathy 9. Identifiers: MedGen C1836906, MONDO:0012180, OMIM 609040.

Submissions (2):

All of Us Research Program, National Institutes of Health
Classification: Uncertain significance for Arrhythmogenic right ventricular cardiomyopathy. Last evaluated: 2023-05-04. Review status: criteria provided, single submitter. Criteria: ACMG Guidelines, 2015. Collection method: clinical testing. Allele origin: germline. Inheritance: Autosomal dominant inheritance. Observed: 1 variant allele, 1 heterozygote.
Comment: This missense variant replaces glycine with arginine at codon 495 of the PKP2 protein. Computational prediction suggests that this variant may not impact protein structure and function (internally defined REVEL score threshold <= 0.5, PMID: 27666373). To our knowledge, functional studies have not been reported for this variant. This variant has not been reported in individuals affected with PKP2-related disorders in the literature. This variant has not been identified in the general population by the Genome Aggregation Database (gnomAD). The available evidence is insufficient to determine the role of this variant in disease conclusively. Therefore, this variant is classified as a Variant of Uncertain Significance.

This study involves interpretation of variants in research participants for the purpose of population health screening. Participant phenotype was not available at the time of variant classification. Additional details can be found in publication PMID: 35346344, PMCID: PMC8962531

Labcorp Genetics (formerly Invitae), Labcorp
Classification: Uncertain significance for Arrhythmogenic right ventricular dysplasia 9. Last evaluated: 2022-07-06. Review status: criteria provided, single submitter. Criteria: Invitae Variant Classification Sherloc (09022015). Collection method: clinical testing. Allele origin: germline.
Comment: This sequence change replaces glycine, which is neutral and non-polar, with arginine, which is basic and polar, at codon 495 of the PKP2 protein (p.Gly495Arg). This variant is not present in population databases (gnomAD no frequency). This variant has not been reported in the literature in individuals affected with PKP2-related conditions. Algorithms developed to predict the effect of missense changes on protein structure and function output the following: SIFT: "Deleterious"; PolyPhen-2: "Benign"; Align-GVGD: "Class C0". The arginine amino acid residue is found in multiple mammalian species, which suggests that this missense change does not adversely affect protein function. Algorithms developed to predict the effect of sequence changes on RNA splicing suggest that this variant may create or strengthen a splice site. In summary, the available evidence is currently insufficient to determine the role of this variant in disease. Therefore, it has been classified as a Variant of Uncertain Significance.

NM_001005242.3(PKP2):c.1379-2004G>A

Gene: PKP2 (plakophilin 2; minus strand). Cytogenetic location: 12p11.21.
Variant type: single nucleotide variant.
Coding change: c.1379-2004G>A on transcript NM_001005242.3 (MANE Select); 2004 bases into the intron before coding-DNA position 1379, G replaced by A.
Molecular consequence: intron variant. On other transcripts: missense variant (2).
Genome position (GRCh38, 1-based): chr12:32,843,209, C>T on the plus strand (G>A on the coding strand, the complement: PKP2 is on the minus strand). VCF-style: chr12-32843209-C-T. GRCh37 (hg19) VCF-style: chr12-32996143-C-T.
Other names: c.1483G>A, p.Gly495Arg (NM_001407157.1, NM_004572.4); short protein forms G495R.
Identifiers: ClinVar variation 2082682 (VCV002082682.4), dbSNP rs1226611760, ClinGen allele CA384368602.